The following is an entry in ClinVar:

ClinVar aggregate classification (germline): Uncertain significance (1 of 4 stars; one submission).

Allele frequency attached by ClinVar (database versions not stated): gnomAD exomes 0.00001; ExAC 0.00003.
gnomAD v4.1: 19 of 1,613,818 alleles (0.0012%); highest among the groups gnomAD compares: Admixed American, 0.0033%; no homozygotes.

Submission:

Labcorp Genetics (formerly Invitae), Labcorp
Classification: Uncertain significance. Last evaluated: 2022-02-11. Review status: criteria provided, single submitter. Criteria: Invitae Variant Classification Sherloc (09022015). Collection method: clinical testing. Allele origin: germline.
Comment: This sequence change falls in intron 3 of the EXOSC2 gene. It does not directly change the encoded amino acid sequence of the EXOSC2 protein. It affects a nucleotide within the consensus splice site. This variant is present in population databases (rs770798940, gnomAD 0.006%). This variant has not been reported in the literature in individuals affected with EXOSC2-related conditions. Variants that disrupt the consensus splice site are a relatively common cause of aberrant splicing (PMID: 17576681, 9536098). Algorithms developed to predict the effect of sequence changes on RNA splicing suggest that this variant is not likely to affect RNA splicing. In summary, the available evidence is currently insufficient to determine the role of this variant in disease. Therefore, it has been classified as a Variant of Uncertain Significance.

Literature cited by the submitters: PubMed 17576681; PubMed 9536098.

NM_014285.7(EXOSC2):c.270+5C>T

Gene: EXOSC2 (exosome component 2; plus strand). Cytogenetic location: 9q34.12.
Variant type: single nucleotide variant.
Coding change: c.270+5C>T on transcript NM_014285.7 (MANE Select); 5 bases into the intron after coding-DNA position 270, C replaced by T.
Molecular consequence: intron variant.
Genome position (GRCh38, 1-based): chr9:130,697,632, C>T. VCF-style: chr9-130697632-C-T. GRCh37 (hg19) VCF-style: chr9-133573019-C-T.
Other names: c.270+5C>T (NM_001282708.1, NM_001282709.1).
Identifiers: ClinVar variation 1959675 (VCV001959675.2), dbSNP rs770798940, ClinGen allele CA5284792.